The following continues an entry in ClinVar:

NM_000243.3(MEFV):c.442G>C (p.Glu148Gln)

Gene: MEFV. ClinVar aggregate classification (germline): Conflicting classifications of pathogenicity. Pathogenic (1); Uncertain significance (17); Benign (6); Likely benign (9).

Submissions 24 to 39 of 44:

Center for Genomics, Ann and Robert H. Lurie Children's Hospital of Chicago
Classification: Uncertain significance for Familial Mediterranean fever, autosomal dominant; Familial Mediterranean fever. Last evaluated: 2020-03-20. Review status: criteria provided, single submitter. Criteria: ACMG Guidelines, 2015. Collection method: clinical testing. Allele origin: germline.
Comment: MEFV NM_000243.2 exon 2 p.Glu148Gln (c.442G>C): This variant has been well reported in the literature and identified in several individuals with Familial Mediteranean Fever (FMF) as homozygous, compound heterozygous or compound heterozygous as part of a complex allele containing this variant and p.Val726Ala, with the latter found in trans with a different pathogenic variant (Bernot 1998 PMID:9668175, Kogan 2001 PMID:11484206, Gershoni-Baruch 2002 PMID:11938447). However, several publications claim that this variant is a benign polymorphism, suggesting equal incidence of this variant in affected individuals and control populations (Ben-Chetrit 2000 PMID:10737995, Tchernitchko 2003 PMID:12955725, Zaks 2003 PMID:12929299, Marek-Yagel 2009 PMID:19820229). A GeneReviews entry for FMF also notes the discrepant interpretation of this variant (Shohat 2016 PMID:20301405). This variant is present in 3% (5347/18284) of East Asian alleles, including 779 homozygotes, in the Genome Aggregation Database. This frequency is present at similar percentages among alleles of other ethnicities as well. This variant is present in ClinVar (Variation ID:2542). Evolutionary conservation and computational predictive tools for this variant are unclear. In summary, data on this variant is insufficient for disease classification. Therefore, the clinical significance of this variant is uncertain.

Mendelics
Classification: Benign for Familial Mediterranean fever. Last evaluated: 2019-05-28. Review status: criteria provided, single submitter. Criteria: Mendelics Assertion Criteria 2017. Collection method: clinical testing. Allele origin: unknown.

Genomic Research Center, Shahid Beheshti University of Medical Sciences
Classification: Likely benign for Familial Mediterranean fever. Last evaluated: 2019-04-27. Review status: criteria provided, single submitter. Criteria: ACMG Guidelines, 2015. Collection method: clinical testing. Allele origin: unknown. Affected: yes.

Quest Diagnostics Nichols Institute San Juan Capistrano
Classification: Uncertain significance. Last evaluated: 2019-02-08. Review status: criteria provided, single submitter. Criteria: Quest Diagnostics criteria. Collection method: clinical testing. Allele origin: germline.

Department of Genetics, Sultan Qaboos University Hospital
Classification: Uncertain significance for Familial Mediterranean fever, autosomal dominant. Last evaluated: 2017-12-30. Review status: criteria provided, single submitter. Criteria: ACMG Guidelines, 2015. Collection method: curation. Allele origin: unknown. Affected: yes.

Eurofins Ntd Llc (ga)
Classification: Pathogenic. Last evaluated: 2017-09-27. Review status: criteria provided, single submitter. Criteria: EGL Classification Definitions 2015. Collection method: clinical testing. Allele origin: germline. Observed: 127 variant alleles, 115 heterozygotes, 12 homozygotes.

CeGaT Center for Human Genetics Tuebingen
Classification: Likely benign. Last evaluated: 2017-04-30. Review status: criteria provided, single submitter. Criteria: Praxis fuer Humangenetik Tuebingen - Variant Classification Criteria. Collection method: clinical testing. Allele origin: germline. Affected: yes. Observed: 2 variant alleles.

Illumina Laboratory Services, Illumina
Classification: Likely benign for Familial Mediterranean fever. Last evaluated: 2017-04-27. Review status: criteria provided, single submitter. Criteria: ICSL Variant Classification Criteria 13 December 2019. Collection method: clinical testing. Allele origin: germline.
Comment: This variant was observed as part of a predisposition screen in an ostensibly healthy population. A literature search was performed for the gene, cDNA change, and amino acid change (where applicable). Publications were found based on this search. The evidence from the literature, in combination with allele frequency data from public databases where available, was sufficient to determine this variant is unlikely to cause disease. Therefore, this variant is classified as likely benign.

Ambry Genetics
Classification: Benign for Inborn genetic diseases. Last evaluated: 2016-07-12. Review status: criteria provided, single submitter. Criteria: Ambry Variant Classification Scheme 2023. Collection method: clinical testing. Allele origin: germline.

Neuberg Centre For Genomic Medicine, NCGM
Classification: Uncertain significance for Systemic lupus erythematosus. Review status: criteria provided, single submitter. Criteria: ACMG Guidelines, 2015. Collection method: clinical testing. Allele origin: germline. Inheritance: Autosomal recessive inheritance. Affected: yes.
Comment: The missense variant c.442G>C (p.Glu148Gln) in MEFV gene has been reported previously in homozygous/ compound heterozygous/ heterozygous states in multiple individuals affected with familial mediterranean fever (Gershoni-Baruch et al. 2002; Tirosh et al. 2021; Kilinc et al., 2016). Experimental evidence shows conflicting evidence of pathogenicity for this variant. One study showed a decreased effect in suppressing IL-8 secretion for this variant compared to wild-type in vitro and in blood mononuclear cells from affected individuals compared to healthy controls (Sugiyama et al., 2014); whereas, another study using a colchicine functional assay showed that the functional response for this variant in affected individuals was similar to healthy controls (Van Gorp et al., 2020). The p.Glu148Gln variant is present with an allele frequency of 7.1% in gnomAD Exomes. This variant has been submitted to the ClinVar Database as Benign / Likely Benign / Pathogenic / Uncertain Significance (multiple submissions). Multiple lines of computational evidences (Polyphen - Probably damaging, SIFT - Damaging and MutationTaster - Polymorphism) predict conflicting evidence on protein structure and function for this variant. The reference amino acid at this position on MEFV gene is predicted as conserved by GERP++ and PhyloP across 100 vertebrates. The amino acid Glu at position 148 is changed to a Gln changing protein sequence and it might alter its composition and physico-chemical properties. This variant is one of the most common variants in MEFV gene and is present in significantly high number of healthy control population, with single heterozygous variant not reported to be associated significantly with familiar mediterranean fever in children (Van Gorp et al., 2020). For these reasons, this variant has been classified as a Variant of Uncertain Significance (VUS).

Zotz-Klimas Genetics Lab, MVZ Zotz Klimas
Classification: Uncertain significance for Familial Mediterranean fever, autosomal dominant. Last evaluated: 2023-10-09. Review status: no assertion criteria provided. Collection method: clinical testing. Allele origin: germline. Affected: yes. Not counted in ClinVar's aggregate classification.

PreventionGenetics, part of Exact Sciences
Classification: Likely benign for MEFV-related condition. Last evaluated: 2022-04-06. Review status: no assertion criteria provided. Collection method: clinical testing. Allele origin: germline. Not counted in ClinVar's aggregate classification.
Comment: This variant is classified as likely benign based on ACMG/AMP sequence variant interpretation guidelines (Richards et al. 2015 PMID: 25741868, with internal and published modifications).

Natera, Inc.
Classification: Benign for Familial Mediterranean fever. Last evaluated: 2020-05-01. Review status: no assertion criteria provided. Collection method: clinical testing. Allele origin: germline. Not counted in ClinVar's aggregate classification.

OMIM
Classification: Uncertain significance for RECLASSIFIED - VARIANT OF UNKNOWN SIGNIFICANCE. Last evaluated: 2002-01-01. Review status: no assertion criteria provided. Collection method: literature only. Allele origin: germline. Not counted in ClinVar's aggregate classification.

Clinical Genetics DNA and cytogenetics Diagnostics Lab, Erasmus MC, Erasmus Medical Center
Classification: Uncertain significance. Review status: no assertion criteria provided. Collection method: clinical testing. Allele origin: germline. Affected: yes. Study: VKGL Data-share Consensus. Not counted in ClinVar's aggregate classification.

Department of Pathology and Laboratory Medicine, Sinai Health System
Classification: Uncertain significance. Review status: no assertion criteria provided. Collection method: clinical testing. Allele origin: unknown. Affected: yes. Study: The Canadian Open Genetics Repository (COGR). Not counted in ClinVar's aggregate classification.
Comment: The MEFV p.Glu148Gln variant was identified in 112 of 2364 proband chromosomes (frequency: 0.047) from individuals or families with Familial Mediterranean fever (FMF) or hereditary recurrent fevers (HRFs) (Neocleous_2015_PMID:25393764; Solak_2008_PMID:18662100; Tchernitchko_2003_PMID:12955725). However Tchernitchko et al. (2003) identified the variant at a similar frequency in Sephardic Jewish FMF patients as well as their unaffected relatives (Tchernitchko_2003_PMID:12955725). Further, one study found that the E148Q vairant segregated with disease in only 3 of 18 families with FMF (Tchernitchko_2006_PMID:16439437). Milder FMF has been reported in patients homozygous for E148Q compared to other MEFV variants (Topaloglu_2018_PMID:27457448). The variant was identified in dbSNP (ID: rs3743930), ClinVar (classified as pathogenic once, a VUS 8 times, likely benign 3 times and benign once) and LOVD 3.0 (classified as a VUS). The variant was also identified in control databases in 17464 of 265578 chromosomes (2140 homozygous) at a frequency of 0.065758 increasing the likelihood this could be a low frequency benign variant (Genome Aggregation Database Feb 27, 2017). The variant was observed in the following populations: East Asian in 5580 of 19142 chromosomes (freq: 0.2915), South Asian in 8603 of 30266 chromosomes (freq: 0.2842), Ashkenazi Jewish in 552 of 9938 chromosomes (freq: 0.05554), Other in 291 of 6920 chromosomes (freq: 0.04205), African in 328 of 22856 chromosomes (freq: 0.01435), European (non-Finnish) in 1619 of 119630 chromosomes (freq: 0.01353), Latino in 453 of 34580 chromosomes (freq: 0.0131), and European (Finnish) in 38 of 22246 chromosomes (freq: 0.001708). The variant occurs outside of the splicing consensus sequence and 3 of 4 in silico or computational prediction software programs (SpliceSiteFinder, MaxEntScan, NNSPLICE, GeneSplicer) do not predict a difference in splicing. The p.Glu148 residue is conserved in mammals and computational analyses (PolyPhen-2, SIFT, AlignGVGD, BLOSUM, MutationTaster) provide inconsistent predictions regarding the impact to the protein; this information is not very predictive of pathogenicity. The structural effect of the E148Q variant was predicted to be low by a quantum chemistry-based model (Naimushin_2011_PMID:21598804). In summary, based on the above information the clinical significance of this variant cannot be determined with certainty at this time. This variant is classified as a variant of uncertain significance.